The following is an entry in ClinVar:

ClinVar aggregate classification (germline): Likely pathogenic (1 of 4 stars; one submission).

Conditions:
Ehlers-Danlos syndrome, type 4 (EDSVASC). Also called: Ehlers-Danlos syndrome vascular type; Ehlers Danlos syndrome, ecchymotic type; Ehlers Danlos syndrome, arterial type; Ehlers Danlos syndrome, Sack-Barabas type; Ehlers-Danlos Syndrome Type IV. Identifiers: Orphanet 286, MedGen C0268338, MONDO:0017314, OMIM 130050.

Submission:

Labcorp Genetics (formerly Invitae), Labcorp
Classification: Likely pathogenic for Ehlers-Danlos syndrome, type 4. Last evaluated: 2020-08-18. Review status: criteria provided, single submitter. Criteria: Invitae Variant Classification Sherloc (09022015). Collection method: clinical testing. Allele origin: germline.
Comment: This sequence change replaces glycine with valine at codon 1128 of the COL3A1 protein (p.Gly1128Val). The glycine residue is highly conserved and there is a moderate physicochemical difference between glycine and valine. This variant is not present in population databases (ExAC no frequency). This variant has not been reported in the literature in individuals with COL3A1-related conditions. Advanced modeling of protein sequence and biophysical properties (such as structural, functional, and spatial information, amino acid conservation, physicochemical variation, residue mobility, and thermodynamic stability) performed at Invitae indicates that this missense variant is expected to disrupt COL3A1 protein function. This variant disrupts the triple helix domain of COL3A1. Glycine residues within the Gly-Xaa-Yaa repeats of the triple helix domain are required for the structure and stability of fibrillar collagens (PMID: 7695699, 8218237, 19344236). In COL3A1, variants that affect these glycine residues are significantly enriched in individuals with disease (PMID: 24922459, 25758994) compared to the general population (ExAC). In summary, the currently available evidence indicates that the variant is pathogenic, but additional data are needed to prove that conclusively. Therefore, this variant has been classified as Likely Pathogenic.

Literature cited by the submitters: PubMed 7695699; PubMed 8218237; PubMed 19344236; PubMed 24922459; PubMed 25758994.

NM_000090.4(COL3A1):c.3383G>T (p.Gly1128Val)

Gene: COL3A1 (collagen type III alpha 1 chain; plus strand). Cytogenetic location: 2q32.2.
Variant type: single nucleotide variant.
Coding change: c.3383G>T on transcript NM_000090.4 (MANE Select); coding-DNA position 3383, G replaced by T.
Protein change: p.Gly1128Val; replaces glycine 1128 with valine.
Molecular consequence: missense variant.
Genome position (GRCh38, 1-based): chr2:189,007,904, G>T. VCF-style: chr2-189007904-G-T. GRCh37 (hg19) VCF-style: chr2-189872630-G-T.
Other names: short protein forms G1128V.
Identifiers: ClinVar variation 1067115 (VCV001067115.9), dbSNP rs2153503949, ClinGen allele CA349846089.